The following is an entry in ClinVar:

NM_000179.3(MSH6):c.981dup (p.Ser328Ter)

Gene: MSH6 (mutS homolog 6; plus strand). Cytogenetic location: 2p16.3.
Variant type: Duplication.
Coding change: c.981dup on transcript NM_000179.3 (MANE Select); coding-DNA position 981, one base duplicated (T; older notation c.981dupT).
Protein change: p.Ser328Ter; replaces serine 328 with a stop codon.
Molecular consequence: nonsense. On other transcripts: frameshift variant (35).
Genome position (GRCh38, 1-based): chr2:47,798,964, T duplicated. VCF-style (leftmost placement, unchanged base first): chr2-47798963-C-CT. GRCh37 (hg19) VCF-style: chr2-48026102-C-CT.
Other names: c.591dup, p.Ser198Ter (NM_001281492.2); c.75dup, p.Ser26Ter (NM_001281493.2, NM_001281494.2); c.1077dup, p.Ser360Terfs (NM_001406795.1, NM_001406802.1); c.981dup, p.Ser328Terfs (NM_001406796.1, NM_001406798.1, NM_001406800.1 and 4 more transcripts); c.684dup, p.Ser229Terfs (NM_001406797.1, NM_001406801.1, NM_001406805.1 and 10 more transcripts); c.456dup, p.Ser153Terfs (NM_001406799.1, NM_001406806.1, NM_001406807.1); c.903dup, p.Ser302Terfs (NM_001406804.1); c.75dup, p.Ser26Terfs (NM_001406811.1, NM_001406812.1, NM_001406814.1 and 4 more transcripts); and 3 more; short protein forms S328*, S26*, S198*.
Identifiers: ClinVar variation 2129130 (VCV002129130.6), dbSNP rs2530582125, ClinGen allele CA2580067279.

ClinVar aggregate classification (germline): Pathogenic. Review status: criteria provided, multiple submitters, no conflicts (2 of 4 stars). 2 submissions from 2 submitters: Pathogenic (2). Last evaluated 2023-01-15.

Conditions:
Hereditary nonpolyposis colorectal neoplasms. Identifiers: MedGen C0009405, MeSH D003123.
Hereditary cancer-predisposing syndrome. Also called: Hereditary neoplastic syndrome; Tumor predisposition; Hereditary Cancer Syndrome; Neoplastic Syndromes, Hereditary. Identifiers: Orphanet 140162, MedGen C0027672, MeSH D009386, MONDO:0015356.

Submissions (2):

Labcorp Genetics (formerly Invitae), Labcorp
Classification: Pathogenic for Hereditary nonpolyposis colorectal neoplasms. Last evaluated: 2023-01-15. Review status: criteria provided, single submitter. Criteria: Invitae Variant Classification Sherloc (09022015). Collection method: clinical testing. Allele origin: germline.
Comment: For these reasons, this variant has been classified as Pathogenic. This variant has not been reported in the literature in individuals affected with MSH6-related conditions. This variant is not present in population databases (gnomAD no frequency). This sequence change creates a premature translational stop signal (p.Ser328*) in the MSH6 gene. It is expected to result in an absent or disrupted protein product. Loss-of-function variants in MSH6 are known to be pathogenic (PMID: 18269114, 24362816).

Ambry Genetics
Classification: Pathogenic for Hereditary cancer-predisposing syndrome. Last evaluated: 2022-12-16. Review status: criteria provided, single submitter. Criteria: Ambry Variant Classification Scheme 2023. Collection method: clinical testing. Allele origin: germline.
Comment: The c.981dupT pathogenic mutation, located in coding exon 4 of the MSH6 gene, results from a duplication of T at nucleotide position 981, causing a translational frameshift with a predicted alternate stop codon (p.S328*). This alteration is expected to result in loss of function by premature protein truncation or nonsense-mediated mRNA decay. As such, this alteration is interpreted as a disease-causing mutation.

Literature cited by the submitters: PubMed 18269114 (cited by Labcorp Genetics (formerly Invitae), Labcorp); PubMed 24362816 (cited by Labcorp Genetics (formerly Invitae), Labcorp).